The following is an entry in ClinVar:

ClinVar aggregate classification (germline): Uncertain significance (1 of 4 stars; one submission).

Conditions:
Breast-ovarian cancer, familial, susceptibility to, 5 (BROVCA5). Identifiers: MedGen C5830615, MONDO:0957530, OMIM 620442.

Submission:

Dasa
Classification: Uncertain significance for Breast-ovarian cancer, familial, susceptibility to, 5. Review status: criteria provided, single submitter. Criteria: DASA Assertion Criteria. Collection method: clinical testing. Allele origin: germline.
Comment: NM_024675.4(PALB2):c.302A>G (p.Asp101Gly) is a missense variant that results in the substitution of aspartic acid with glycine. This variant is absent from population databases. The currently available literature and clinical evidence are not sufficient to establish a definitive association between this variant and the reported condition. Therefore, this variant is classified as a variant of uncertain significance.

NM_024675.4(PALB2):c.302A>G (p.Asp101Gly)

Gene: PALB2 (partner and localizer of BRCA2; minus strand). Cytogenetic location: 16p12.2.
Variant type: single nucleotide variant.
Coding change: c.302A>G on transcript NM_024675.4 (MANE Select); coding-DNA position 302, A replaced by G.
Protein change: p.Asp101Gly; replaces aspartic acid 101 with glycine.
Molecular consequence: missense variant. On other transcripts: 5 prime UTR variant (8), intron variant (3).
Genome position (GRCh38, 1-based): chr16:23,636,244, T>C on the plus strand (A>G on the coding strand, the complement: PALB2 is on the minus strand). VCF-style: chr16-23636244-T-C. GRCh37 (hg19) VCF-style: chr16-23647565-T-C.
Other names: c.302A>G, p.Asp101Gly (NM_001407297.1, NM_001407298.1, NM_001407299.1 and 3 more transcripts); c.-584A>G (NM_001407304.1, NM_001407305.1, NM_001407306.1 and 5 more transcripts); c.48+4866A>G (NM_001407314.1); c.-105+4866A>G (NM_001407313.1, NM_001407312.1); c.242A>G, p.Asp81Gly (NM_001407296.1); short protein forms D101G, D81G.
Identifiers: ClinVar variation 5042663 (VCV005042663.1).